The following is an entry in ClinVar:

ClinVar aggregate classification (germline): Pathogenic. Review status: criteria provided, multiple submitters, no conflicts (2 of 4 stars). 2 submissions from 2 submitters: Pathogenic (2). Last evaluated 2025-09-30.

Conditions:
Familial adenomatous polyposis 1 (FAP1). Also called: FAMILIAL ADENOMATOUS POLYPOSIS 1, ATTENUATED; POLYPOSIS, ADENOMATOUS INTESTINAL. Identifiers: MedGen C2713442, MONDO:0021056, OMIM 175100. Disease mechanism: loss of function.
Hereditary cancer-predisposing syndrome. Also called: Hereditary neoplastic syndrome; Tumor predisposition; Hereditary Cancer Syndrome; Neoplastic Syndromes, Hereditary. Identifiers: Orphanet 140162, MedGen C0027672, MeSH D009386, MONDO:0015356.

Submissions (2):

Ambry Genetics
Classification: Pathogenic for Hereditary cancer-predisposing syndrome. Last evaluated: 2025-09-30. Review status: criteria provided, single submitter. Criteria: Ambry Variant Classification Scheme 2023. Collection method: clinical testing. Allele origin: germline.
Comment: The p.Y1031* pathogenic mutation (also known as c.3093T>G), located in coding exon 15 of the APC gene, results from a T to G substitution at nucleotide position 3093. This changes the amino acid from a tyrosine to a stop codon within coding exon 15. This alteration occurs at the 3' terminus of the gene, is not expected to trigger nonsense-mediated mRNA decay, and impacts the last 64% of the protein. However, premature stop codons are typically deleterious in nature and a significant portion of the protein is affected (Ambry internal data). This variant was reported in individuals with features consistent with APC-related familial adenomatous polyposis (Plawski A et al. J Appl Genet, 2008;49:407-14; Ambry internal data). This variant is considered to be rare based on population cohorts in the Genome Aggregation Database (gnomAD). Based on the supporting evidence, this variant is interpreted as a disease-causing mutation.

Myriad Genetics, Inc.
Classification: Pathogenic for Familial adenomatous polyposis 1. Last evaluated: 2023-05-05. Review status: criteria provided, single submitter. Criteria: Myriad Autosomal Dominant, Autosomal Recessive and X-Linked Classification Criteria (2023). Collection method: clinical testing. Allele origin: unknown.
Comment: This variant is considered pathogenic. This variant creates a termination codon and is predicted to result in premature protein truncation.

Literature cited by the submitters: PubMed 19029688 (cited by Ambry Genetics).

NM_000038.6(APC):c.3093T>G (p.Tyr1031Ter)

Gene: APC (APC regulator of Wnt signaling pathway; plus strand). Cytogenetic location: 5q22.2.
Variant type: single nucleotide variant.
Coding change: c.3093T>G on transcript NM_000038.6 (MANE Select); coding-DNA position 3093, T replaced by G.
Protein change: p.Tyr1031Ter; replaces tyrosine 1031 with a stop codon.
Molecular consequence: nonsense. On other transcripts: non-coding transcript variant (2).
Genome position (GRCh38, 1-based): chr5:112,838,687, T>G. VCF-style: chr5-112838687-T-G. GRCh37 (hg19) VCF-style: chr5-112174384-T-G.
Other names: c.3093T>G (NM_000038.5); c.3093T>G, p.Tyr1031Ter (NM_001127510.3, NM_001354895.2, NM_001407450.1); c.3039T>G, p.Tyr1013Ter (NM_001127511.3); c.3147T>G, p.Tyr1049Ter (NM_001354896.2, NM_001407447.1, NM_001407448.1 and 1 more transcripts); c.3123T>G, p.Tyr1041Ter (NM_001354897.2); c.3018T>G, p.Tyr1006Ter (NM_001354898.2); c.3009T>G, p.Tyr1003Ter (NM_001354899.2); c.2970T>G, p.Tyr990Ter (NM_001354900.2); and 12 more; short protein forms Y1003*, Y1006*, Y1013*, Y1021*, Y1024*, Y1031*, Y1041*, Y1049*.
Identifiers: ClinVar variation 2583965 (VCV002583965.2), dbSNP rs2149884161, ClinGen allele CA16028108.